The following is an entry in ClinVar:

NM_014780.5(CUL7):c.517C>A (p.Pro173Thr)

Gene: CUL7 (cullin 7; minus strand). Cytogenetic location: 6p21.1.
Variant type: single nucleotide variant.
Coding change: c.517C>A on transcript NM_014780.5 (MANE Select); coding-DNA position 517, C replaced by A.
Protein change: p.Pro173Thr; replaces proline 173 with threonine.
Molecular consequence: missense variant.
Genome position (GRCh38, 1-based): chr6:43,052,272, G>T on the plus strand (C>A on the coding strand, the complement: CUL7 is on the minus strand). VCF-style: chr6-43052272-G-T. GRCh37 (hg19) VCF-style: chr6-43020010-G-T.
Other names: c.517C>A, p.Pro173Thr (NM_001168370.2, NM_001374872.1, NM_001374873.1 and 1 more transcripts); short protein forms P173T.
Identifiers: ClinVar variation 2077081 (VCV002077081.3), dbSNP rs776082514, ClinGen allele CA364229617.

ClinVar aggregate classification (germline): Uncertain significance (1 of 4 stars; one submission).

Allele frequency attached by ClinVar (database versions not stated): gnomAD 0.00002.
gnomAD v4.1: 15 of 1,614,056 alleles (0.00093%); highest among the groups gnomAD compares: Non-Finnish European, 0.0013%; no homozygotes.

Submission:

Labcorp Genetics (formerly Invitae), Labcorp
Classification: Uncertain significance. Last evaluated: 2024-08-08. Review status: criteria provided, single submitter. Criteria: Invitae Variant Classification Sherloc (09022015). Collection method: clinical testing. Allele origin: germline.
Comment: This sequence change replaces proline, which is neutral and non-polar, with threonine, which is neutral and polar, at codon 173 of the CUL7 protein (p.Pro173Thr). This variant is present in population databases (no rsID available, gnomAD 0.004%). This variant has not been reported in the literature in individuals affected with CUL7-related conditions. ClinVar contains an entry for this variant (Variation ID: 2077081). An algorithm developed to predict the effect of missense changes on protein structure and function (PolyPhen-2) suggests that this variant is likely to be disruptive. In summary, the available evidence is currently insufficient to determine the role of this variant in disease. Therefore, it has been classified as a Variant of Uncertain Significance.